The following is an entry in ClinVar:

NM_001197104.2(KMT2A):c.1975G>A (p.Glu659Lys)

Gene: KMT2A (lysine methyltransferase 2A; plus strand). Cytogenetic location: 11q23.3.
Variant type: single nucleotide variant.
Coding change: c.1975G>A on transcript NM_001197104.2 (MANE Select); coding-DNA position 1975, G replaced by A.
Protein change: p.Glu659Lys; replaces glutamic acid 659 with lysine.
Molecular consequence: missense variant.
Genome position (GRCh38, 1-based): chr11:118,473,134, G>A. VCF-style: chr11-118473134-G-A. GRCh37 (hg19) VCF-style: chr11-118343849-G-A.
Other names: c.2074G>A, p.Glu692Lys (NM_001412597.1); c.1975G>A, p.Glu659Lys (NM_005933.4); short protein forms E659K, E692K.
Identifiers: ClinVar variation 2630591 (VCV002630591.1), dbSNP rs374545538, ClinGen allele CA382811933.

ClinVar aggregate classification (germline): Uncertain significance (1 of 4 stars; one submission).

Conditions:
KMT2A-related disorder. Also called: KMT2A-related condition.

Allele frequency attached by ClinVar (database versions not stated): gnomAD 0.00002.
gnomAD v4.1: 7 of 1,613,942 alleles (0.00043%); highest among the groups gnomAD compares: South Asian, 0.0022%; no homozygotes.

Submission:

PreventionGenetics, part of Exact Sciences
Classification: Uncertain significance for KMT2A-related condition. Last evaluated: 2023-01-22. Review status: criteria provided, single submitter. Criteria: ACMG Guidelines, 2015. Collection method: clinical testing. Allele origin: germline.
Comment: The KMT2A c.1975G>A variant is predicted to result in the amino acid substitution p.Glu659Lys. To our knowledge, this variant has not been reported in the literature or in a large population database, indicating this variant is rare. At this time, the clinical significance of this variant is uncertain due to the absence of conclusive functional and genetic evidence.